The following is an entry in ClinVar:

ClinVar aggregate classification (germline): Uncertain significance. Review status: criteria provided, multiple submitters, no conflicts (2 of 4 stars). 2 submissions from 2 submitters: Uncertain significance (2). Last evaluated 2021-08-13.

Conditions:
Deficiency of malonyl-CoA decarboxylase. Also called: Malonic aciduria; MCD deficiency. Identifiers: Orphanet 943, MedGen C0342793, MONDO:0009556, OMIM 248360.

Allele frequency attached by ClinVar (database versions not stated): gnomAD 0.00001; TOPMed 0.00002.
gnomAD v4.1: 113 of 1,614,104 alleles (0.007%); highest among the groups gnomAD compares: South Asian, 0.11%; no homozygotes.

Submissions (2):

Labcorp Genetics (formerly Invitae), Labcorp
Classification: Uncertain significance for Deficiency of malonyl-CoA decarboxylase. Last evaluated: 2021-08-13. Review status: criteria provided, single submitter. Criteria: Invitae Variant Classification Sherloc (09022015). Collection method: clinical testing. Allele origin: germline.
Comment: This sequence change replaces valine with methionine at codon 385 of the MLYCD protein (p.Val385Met). The valine residue is moderately conserved and there is a small physicochemical difference between valine and methionine. This variant is present in population databases (rs747617187, ExAC 0.1%). This variant has not been reported in the literature in individuals affected with MLYCD-related conditions. Algorithms developed to predict the effect of missense changes on protein structure and function (SIFT, PolyPhen-2, Align-GVGD) all suggest that this variant is likely to be tolerated. In summary, the available evidence is currently insufficient to determine the role of this variant in disease. Therefore, it has been classified as a Variant of Uncertain Significance.

Illumina Laboratory Services, Illumina
Classification: Uncertain significance for Deficiency of malonyl-CoA decarboxylase. Last evaluated: 2018-01-13. Review status: criteria provided, single submitter. Criteria: ICSL Variant Classification Criteria 13 December 2019. Collection method: clinical testing. Allele origin: germline.

NM_012213.3(MLYCD):c.1153G>A (p.Val385Met)

Gene: MLYCD (malonyl-CoA decarboxylase; plus strand). Cytogenetic location: 16q23.3.
Variant type: single nucleotide variant.
Coding change: c.1153G>A on transcript NM_012213.3 (MANE Select); coding-DNA position 1153, G replaced by A.
Protein change: p.Val385Met; replaces valine 385 with methionine.
Molecular consequence: missense variant.
Genome position (GRCh38, 1-based): chr16:83,915,160, G>A. VCF-style: chr16-83915160-G-A. GRCh37 (hg19) VCF-style: chr16-83948765-G-A.
Other names: short protein forms V385M.
Identifiers: ClinVar variation 888561 (VCV000888561.9), dbSNP rs747617187, ClinGen allele CA8197524.